The following is an entry in ClinVar:

ClinVar aggregate classification (germline): Uncertain significance (1 of 4 stars; one submission).

Submission:

Ambry Genetics
Classification: Uncertain significance. Last evaluated: 2025-06-30. Review status: criteria provided, single submitter. Criteria: Ambry Variant Classification Scheme 2023. Collection method: clinical testing. Allele origin: germline.
Comment: The p.R581P variant (also known as c.1742G>C), located in coding exon 1 of the TET2 gene, results from a G to C substitution at nucleotide position 1742. The arginine at codon 581 is replaced by proline, an amino acid with dissimilar properties. This amino acid position is conserved. In addition, this alteration is predicted to be tolerated by in silico analysis. Based on the available evidence, the clinical significance of this variant remains unclear.

NM_001127208.3(TET2):c.1742G>C (p.Arg581Pro)

Genes: TET2 (tet methylcytosine dioxygenase 2; plus strand), TET2-AS1 (TET2 antisense RNA 1; minus strand). Cytogenetic location: 4q24.
Variant type: single nucleotide variant.
Coding change: c.1742G>C on transcript NM_001127208.3 (MANE Select); coding-DNA position 1742, G replaced by C.
Protein change: p.Arg581Pro; replaces arginine 581 with proline.
Molecular consequence: missense variant.
Genome position (GRCh38, 1-based): chr4:105,235,684, G>C. VCF-style: chr4-105235684-G-C. GRCh37 (hg19) VCF-style: chr4-106156841-G-C.
Other names: c.1742G>C, p.Arg581Pro (NM_017628.4); short protein forms R581P.
Identifiers: ClinVar variation 4182942 (VCV004182942.1).